The following is an entry in ClinVar:

ClinVar aggregate classification (germline): Conflicting classifications of pathogenicity. Review status: criteria provided, conflicting classifications (1 of 4 stars). 4 submissions from 4 submitters: Uncertain significance (3); Benign (1). Last evaluated 2025-10-18.

Conditions:
Adams-Oliver syndrome 5 (AOS5). Identifiers: Orphanet 974, MedGen C4014970, MONDO:0014459, OMIM 616028.
Familial thoracic aortic aneurysm and aortic dissection (TAAD). Also called: Thoracic aortic aneurysms and dissections. Identifiers: Orphanet 91387, MedGen C4707243, MONDO:0019625.
Aortic valve disease 1 (AOVD1). Identifiers: MedGen C3887892, MONDO:0024523, OMIM 109730.

Allele frequency attached by ClinVar (database versions not stated): ExAC 0.00001; gnomAD exomes 0.00001 and 0.00002; TOPMed 0.00001; gnomAD 0.00003 and 0.00004.
gnomAD v4.1: 29 of 1,612,578 alleles (0.0018%); highest among the groups gnomAD compares: Non-Finnish European, 0.0025%; no homozygotes.

Submissions (4):

Labcorp Genetics (formerly Invitae), Labcorp
Classification: Benign for Adams-Oliver syndrome 5. Last evaluated: 2025-10-18. Review status: criteria provided, single submitter. Criteria: Invitae Variant Classification Sherloc (09022015). Collection method: clinical testing. Allele origin: germline.

GeneDx
Classification: Uncertain significance. Last evaluated: 2024-03-06. Review status: criteria provided, single submitter. Criteria: GeneDx Variant Classification Process June 2021. Collection method: clinical testing. Allele origin: germline. Affected: yes.
Comment: Has not been previously published as pathogenic or benign to our knowledge; Not observed at significant frequency in large population cohorts (gnomAD); In silico analysis supports that this missense variant has a deleterious effect on protein structure/function

Ambry Genetics
Classification: Uncertain significance for Familial thoracic aortic aneurysm and aortic dissection. Last evaluated: 2024-02-12. Review status: criteria provided, single submitter. Criteria: Ambry Variant Classification Scheme 2023. Collection method: clinical testing. Allele origin: germline.
Comment: The p.P668A variant (also known as c.2002C>G), located in coding exon 12 of the NOTCH1 gene, results from a C to G substitution at nucleotide position 2002. The proline at codon 668 is replaced by alanine, an amino acid with highly similar properties. This amino acid position is conserved. In addition, the in silico prediction for this alteration is inconclusive. Based on the available evidence, the clinical significance of this alteration remains unclear.

MGZ Medical Genetics Center
Classification: Uncertain significance for Aortic valve disease 1. Last evaluated: 2021-09-30. Review status: criteria provided, single submitter. Criteria: ACMG Guidelines, 2015. Collection method: clinical testing. Allele origin: germline. Affected: yes. Observed: 1 variant allele.
Comment: ACMG criteria applied: PM2_SUP, PP3

NM_017617.5(NOTCH1):c.2002C>G (p.Pro668Ala)

Gene: NOTCH1 (notch receptor 1; minus strand). Cytogenetic location: 9q34.3.
Variant type: single nucleotide variant.
Coding change: c.2002C>G on transcript NM_017617.5 (MANE Select); coding-DNA position 2002, C replaced by G.
Protein change: p.Pro668Ala; replaces proline 668 with alanine.
Molecular consequence: missense variant.
Genome position (GRCh38, 1-based): chr9:136,515,302, G>C on the plus strand (C>G on the coding strand, the complement: NOTCH1 is on the minus strand). VCF-style: chr9-136515302-G-C. GRCh37 (hg19) VCF-style: chr9-139409754-G-C.
Other names: c.2002C>G (NM_017617.3); short protein forms P668A.
Identifiers: ClinVar variation 1014759 (VCV001014759.12), dbSNP rs780810308, ClinGen allele CA5341543.